The following is an entry in ClinVar:

ClinVar aggregate classification (germline): Uncertain significance (1 of 4 stars; one submission).

Allele frequency attached by ClinVar (database versions not stated): gnomAD exomes 0.00001; ExAC 0.00002; gnomAD 0.00002 and 0.00003; TOPMed 0.00002; 1000 Genomes Project 30x 0.00016; 1000 Genomes Project 0.00020.
gnomAD v4.1: 20 of 1,613,752 alleles (0.0012%); highest among the groups gnomAD compares: African/African-American, 0.0053%; no homozygotes.

Submission:

Laboratory for Molecular Medicine, Mass General Brigham Personalized Medicine
Classification: Uncertain significance. Last evaluated: 2017-07-10. Review status: criteria provided, single submitter. Criteria: LMM Criteria. Collection method: clinical testing. Allele origin: germline. Observed: 1 variant allele.
Comment: The c.955+6G>A variant in PAX3 has not been previously reported in individuals w ith hearing loss or Waardenburg syndrome, but has been identified in 2/24024 Afr ican chromosomes by the Genome Aggregation Database (gnomAD). This variant is located in the 5' splice region. Computational tools do not suggest an impact to splicing. However, this information is not pre dictive enough to rule out pathogenicity. In summary, the clinical significance of the c.955+6G>A variant is uncertain.

NM_181458.4(PAX3):c.958+6G>A

Gene: PAX3 (paired box 3; minus strand). Cytogenetic location: 2q36.1.
Variant type: single nucleotide variant.
Coding change: c.958+6G>A on transcript NM_181458.4 (MANE Select); 6 bases into the intron after coding-DNA position 958, G replaced by A.
Molecular consequence: intron variant.
Genome position (GRCh38, 1-based): chr2:222,221,216, C>T on the plus strand (G>A on the coding strand, the complement: PAX3 is on the minus strand). VCF-style: chr2-222221216-C-T. GRCh37 (hg19) VCF-style: chr2-223085935-C-T.
Other names: c.955+6G>A (NM_001127366.3); c.958+6G>A (NM_181460.4, NM_181461.4, NM_181459.4 and 1 more transcripts).
Identifiers: ClinVar variation 505854 (VCV000505854.5), dbSNP rs558822810, ClinGen allele CA2135545.
Genomic context (GRCh38, chr2:222,221,216, plus strand): 5'-ATAAAATATCCACCAGAGAAATCGCCTGGAAGTTACTTTCTAATCTCCTTGACTCTTCCT[C>T]GGTACCTTGTGGAATAGATGTGGGCTGGTAAGAGGTCTCCGACAGCTGGTACGTTGGCAA-3'